The following is an entry in ClinVar:

NM_206933.4(USH2A):c.3595G>A (p.Glu1199Lys)

Genes: USH2A (usherin; minus strand), USH2A-AS1 (USH2A antisense RNA 1; plus strand). Cytogenetic location: 1q41.
Variant type: single nucleotide variant.
Coding change: c.3595G>A on transcript NM_206933.4 (MANE Select); coding-DNA position 3595, G replaced by A.
Protein change: p.Glu1199Lys; replaces glutamic acid 1199 with lysine.
Molecular consequence: missense variant.
Genome position (GRCh38, 1-based): chr1:216,199,843, C>T on the plus strand (G>A on the coding strand, the complement: USH2A is on the minus strand). VCF-style: chr1-216199843-C-T. GRCh37 (hg19) VCF-style: chr1-216373185-C-T.
Other names: c.3595G>A, p.Glu1199Lys (NM_007123.6); short protein forms E1199K.
Identifiers: ClinVar variation 2154160 (VCV002154160.2), dbSNP rs776039406, ClinGen allele CA1395959.

ClinVar aggregate classification (germline): Uncertain significance. Review status: criteria provided, multiple submitters, no conflicts (2 of 4 stars). 2 submissions from 2 submitters: Uncertain significance (2). Last evaluated 2022-01-28.

Allele frequency attached by ClinVar (database versions not stated): gnomAD 0.00001; TOPMed 0.00002; ExAC 0.00003; gnomAD exomes 0.00004.
gnomAD v4.1: 63 of 1,613,986 alleles (0.0039%); highest among the groups gnomAD compares: Middle Eastern, 0.016%; no homozygotes.

Submissions (2):

Labcorp Genetics (formerly Invitae), Labcorp
Classification: Uncertain significance. Last evaluated: 2022-01-28. Review status: criteria provided, single submitter. Criteria: Invitae Variant Classification Sherloc (09022015). Collection method: clinical testing. Allele origin: germline.
Comment: This sequence change replaces glutamic acid, which is acidic and polar, with lysine, which is basic and polar, at codon 1199 of the USH2A protein (p.Glu1199Lys). This variant is present in population databases (rs776039406, gnomAD 0.01%). This variant has not been reported in the literature in individuals affected with USH2A-related conditions. Algorithms developed to predict the effect of missense changes on protein structure and function are either unavailable or do not agree on the potential impact of this missense change (SIFT: "Deleterious"; PolyPhen-2: "Benign"; Align-GVGD: "Class C0"). In summary, the available evidence is currently insufficient to determine the role of this variant in disease. Therefore, it has been classified as a Variant of Uncertain Significance.

Blueprint Genetics
Classification: Uncertain significance. Last evaluated: 2021-11-03. Review status: criteria provided, single submitter. Criteria: ACMG Guidelines, 2015. Collection method: clinical testing. Allele origin: germline.